The following is an entry in ClinVar:

NM_001401501.2(MUC16):c.32230C>A (p.His10744Asn)

Gene: MUC16 (mucin 16, cell surface associated; minus strand). Cytogenetic location: 19p13.2.
Variant type: single nucleotide variant.
Coding change: c.32230C>A on transcript NM_001401501.2 (MANE Select); coding-DNA position 32230, C replaced by A.
Protein change: p.His10744Asn; replaces histidine 10744 with asparagine.
Molecular consequence: missense variant.
Genome position (GRCh38, 1-based): chr19:8,938,845, G>T on the plus strand (C>A on the coding strand, the complement: MUC16 is on the minus strand). VCF-style: chr19-8938845-G-T. GRCh37 (hg19) VCF-style: chr19-9049521-G-T.
Other names: c.32656C>A, p.His10886Asn (NM_001414686.1); c.32110C>A, p.His10704Asn (NM_001414687.1, NM_024690.2); short protein forms H10704N, H10744N, H10886N.
Identifiers: ClinVar variation 3044408 (VCV003044408.2), dbSNP rs61742962, ClinGen allele CA9166723.

ClinVar aggregate classification (germline): Benign (0 of 4 stars; one submission).

Conditions:
MUC16-related disorder. Also called: MUC16-related condition.

Allele frequency attached by ClinVar (database versions not stated): gnomAD exomes 0.00113; ExAC 0.00317; 1000 Genomes Project 30x 0.01062; ESP Exome Variant Server 0.01062; gnomAD 0.01066; 1000 Genomes Project 0.01078; TOPMed 0.01261.

Submission:

PreventionGenetics, part of Exact Sciences
Classification: Benign for MUC16-related condition. Last evaluated: 2019-10-28. Review status: no assertion criteria provided. Collection method: clinical testing. Allele origin: germline.
Comment: This variant is classified as benign based on ACMG/AMP sequence variant interpretation guidelines (Richards et al. 2015 PMID: 25741868, with internal and published modifications).